The following is an entry in ClinVar:

NM_032217.5(ANKRD17):c.5822C>G (p.Pro1941Arg)

Gene: ANKRD17 (ankyrin repeat domain 17; minus strand). Cytogenetic location: 4q13.3.
Variant type: single nucleotide variant.
Coding change: c.5822C>G on transcript NM_032217.5 (MANE Select); coding-DNA position 5822, C replaced by G.
Protein change: p.Pro1941Arg; replaces proline 1941 with arginine.
Molecular consequence: missense variant.
Genome position (GRCh38, 1-based): chr4:73,091,806, G>C on the plus strand (C>G on the coding strand, the complement: ANKRD17 is on the minus strand). VCF-style: chr4-73091806-G-C. GRCh37 (hg19) VCF-style: chr4-73957523-G-C.
Other names: c.5483C>G, p.Pro1828Arg (NM_001286771.3); c.5819C>G, p.Pro1940Arg (NM_015574.2); c.5069C>G, p.Pro1690Arg (NM_198889.3); short protein forms P1690R, P1828R, P1940R, P1941R.
Identifiers: ClinVar variation 3372042 (VCV003372042.1).

ClinVar aggregate classification (germline): Uncertain significance (1 of 4 stars; one submission).

Submission:

GeneDx
Classification: Uncertain significance. Last evaluated: 2024-04-06. Review status: criteria provided, single submitter. Criteria: GeneDx Variant Classification Process June 2021. Collection method: clinical testing. Allele origin: germline. Affected: yes.
Comment: Not observed at significant frequency in large population cohorts (gnomAD); In silico analysis supports that this missense variant has a deleterious effect on protein structure/function; Has not been previously published as pathogenic or benign to our knowledge